The following is an entry in ClinVar:

ClinVar aggregate classification (germline): Uncertain significance. Review status: criteria provided, multiple submitters, no conflicts (2 of 4 stars). 2 submissions from 2 submitters: Uncertain significance (2). Last evaluated 2025-08-09.

Conditions:
Nemaline myopathy 2 (NEM2). Also called: Nemaline myopathy 2, autosomal recessive. Identifiers: MedGen C1850569, MONDO:0009725, OMIM 256030.

Allele frequency attached by ClinVar (database versions not stated): gnomAD exomes below 0.00001; TOPMed 0.00002.
gnomAD v4.1: 1 of 1,608,390 alleles (0.000062%); highest among the groups gnomAD compares: African/African-American, 0.0013%; no homozygotes.

Submissions (2):

GeneDx
Classification: Uncertain significance. Last evaluated: 2025-08-09. Review status: criteria provided, single submitter. Criteria: GeneDx Variant Classification Process June 2021. Collection method: clinical testing. Allele origin: germline. Affected: yes.
Comment: Not observed at significant frequency in large population cohorts (gnomAD); In silico analysis suggests that this missense variant does not alter protein structure/function; Has not been previously published as pathogenic or benign to our knowledge

Labcorp Genetics (formerly Invitae), Labcorp
Classification: Uncertain significance for Nemaline myopathy 2. Last evaluated: 2022-05-16. Review status: criteria provided, single submitter. Criteria: Invitae Variant Classification Sherloc (09022015). Collection method: clinical testing. Allele origin: germline.
Comment: In summary, the available evidence is currently insufficient to determine the role of this variant in disease. Therefore, it has been classified as a Variant of Uncertain Significance. Algorithms developed to predict the effect of missense changes on protein structure and function output the following: SIFT: "Tolerated"; PolyPhen-2: "Not Available"; Align-GVGD: "Class C0". The lysine amino acid residue is found in multiple mammalian species, which suggests that this missense change does not adversely affect protein function. ClinVar contains an entry for this variant (Variation ID: 465570). This variant has not been reported in the literature in individuals affected with NEB-related conditions. This variant is not present in population databases (gnomAD no frequency). This sequence change replaces arginine, which is basic and polar, with lysine, which is basic and polar, at codon 7758 of the NEB protein (p.Arg7758Lys).

NM_001164508.2(NEB):c.23168G>A (p.Arg7723Lys)

Genes: NEB (nebulin; minus strand), RIF1 (replication timing regulatory factor 1; plus strand). Cytogenetic location: 2q23.3.
Variant type: single nucleotide variant.
Coding change: c.23168G>A on transcript NM_001164508.2 (MANE Select); coding-DNA position 23168, G replaced by A.
Protein change: p.Arg7723Lys; replaces arginine 7723 with lysine.
Molecular consequence: missense variant.
Genome position (GRCh38, 1-based): chr2:151,513,653, C>T on the plus strand (G>A on the coding strand, the complement: NEB is on the minus strand). VCF-style: chr2-151513653-C-T. GRCh37 (hg19) VCF-style: chr2-152370167-C-T.
Other names: c.23168G>A, p.Arg7723Lys (NM_001164507.2); c.23273G>A, p.Arg7758Lys (NM_001271208.2); c.18065G>A, p.Arg6022Lys (NM_004543.5); short protein forms R7758K, R7723K, R6022K.
Identifiers: ClinVar variation 465570 (VCV000465570.8), dbSNP rs947053462, ClinGen allele CA57617934.